The following is an entry in ClinVar:

NM_005188.4(CBL):c.2477C>T (p.Pro826Leu)

Gene: CBL (Cbl proto-oncogene; plus strand). Cytogenetic location: 11q23.3.
Variant type: single nucleotide variant.
Coding change: c.2477C>T on transcript NM_005188.4 (MANE Select); coding-DNA position 2477, C replaced by T.
Protein change: p.Pro826Leu; replaces proline 826 with leucine.
Molecular consequence: missense variant.
Genome position (GRCh38, 1-based): chr11:119,299,537, C>T. VCF-style: chr11-119299537-C-T. GRCh37 (hg19) VCF-style: chr11-119170247-C-T.
Other names: short protein forms P826L.
Identifiers: ClinVar variation 4613857 (VCV004613857.1).

ClinVar aggregate classification (germline): Uncertain significance (1 of 4 stars; one submission).

Conditions:
Cardiovascular phenotype. Identifiers: MedGen CN230736.

Submission:

Ambry Genetics
Classification: Uncertain significance for Cardiovascular phenotype. Last evaluated: 2025-11-05. Review status: criteria provided, single submitter. Criteria: Ambry Variant Classification Scheme 2023. Collection method: clinical testing. Allele origin: germline.
Comment: The p.P826L variant (also known as c.2477C>T), located in coding exon 16 of the CBL gene, results from a C to T substitution at nucleotide position 2477. The proline at codon 826 is replaced by leucine, an amino acid with similar properties. This amino acid position is conserved. In addition, this alteration is predicted to be deleterious by in silico analysis. Based on the available evidence, the clinical significance of this variant remains unclear.